The following is an entry in ClinVar:

NM_001267550.2(TTN):c.40057+4C>T

Gene: TTN (titin; minus strand). Cytogenetic location: 2q31.2.
Variant type: single nucleotide variant.
Coding change: c.40057+4C>T on transcript NM_001267550.2 (MANE Select); 4 bases into the intron after coding-DNA position 40057, C replaced by T.
Molecular consequence: intron variant.
Genome position (GRCh38, 1-based): chr2:178,649,244, G>A on the plus strand (C>T on the coding strand, the complement: TTN is on the minus strand). VCF-style: chr2-178649244-G-A. GRCh37 (hg19) VCF-style: chr2-179513971-G-A.
Other names: c.13283-6927C>T (NM_003319.4); c.13859-6927C>T (NM_133437.4); c.13658-6927C>T (NM_133432.3); c.32593+573C>T (NM_133378.4); c.35374+573C>T (NM_001256850.1).
Identifiers: ClinVar variation 1879505 (VCV001879505.31), dbSNP rs529233440, ClinGen allele CA1996544.

ClinVar aggregate classification (germline): Likely benign. Review status: criteria provided, multiple submitters, no conflicts (2 of 4 stars). 3 submissions from 3 submitters: Likely benign (3). Last evaluated 2025-06-11.

Conditions:
TTN-related disorder. Also called: TTN-related disorders; TTN-related condition; TTN-related disease.

Allele frequency attached by ClinVar (database versions not stated): gnomAD 0.00015; 1000 Genomes Project 30x 0.00016; TOPMed 0.00016; 1000 Genomes Project 0.00020.
gnomAD v4.1: 272 of 1,500,210 alleles (0.018%); highest among the groups gnomAD compares: Non-Finnish European, 0.021%; no homozygotes.

Submissions (3):

PreventionGenetics, part of Exact Sciences
Classification: Likely benign for TTN-related condition. Last evaluated: 2025-06-11. Review status: criteria provided, single submitter. Criteria: ACMG Guidelines, 2015. Collection method: clinical testing. Allele origin: germline.
Comment: This variant is classified as likely benign based on ACMG/AMP sequence variant interpretation guidelines (Richards et al. 2015 PMID: 25741868, with internal and published modifications).

CeGaT Center for Human Genetics Tuebingen
Classification: Likely benign. Last evaluated: 2025-06-01. Review status: criteria provided, single submitter. Criteria: CeGaT Center For Human Genetics Tuebingen Variant Classification Criteria Version 2. Collection method: clinical testing. Allele origin: germline. Affected: yes. Observed: 2 variant alleles.
Comment: TTN: BP4

Blueprint Genetics
Classification: Likely benign. Last evaluated: 2024-03-20. Review status: criteria provided, single submitter. Criteria: ACMG Guidelines, 2015. Collection method: clinical testing. Allele origin: germline.